The following is an entry in ClinVar:

NM_004517.4(ILK):c.961A>G (p.Asn321Asp)

Genes: TAF10 (TATA-box binding protein associated factor 10; minus strand), ILK (integrin linked kinase; plus strand). Cytogenetic location: 11p15.4.
Variant type: single nucleotide variant.
Coding change: c.961A>G on transcript NM_004517.4 (MANE Select); coding-DNA position 961, A replaced by G.
Protein change: p.Asn321Asp; replaces asparagine 321 with aspartic acid.
Molecular consequence: missense variant. On other transcripts: 3 prime UTR variant (1).
Genome position (GRCh38, 1-based): chr11:6,609,828, A>G. VCF-style: chr11-6609828-A-G. GRCh37 (hg19) VCF-style: chr11-6631059-A-G.
Other names: c.961A>G, p.Asn321Asp (NM_001014794.3, NM_001014795.3); c.778A>G, p.Asn260Asp (NM_001278441.2); c.559A>G, p.Asn187Asp (NM_001278442.2); c.*1094T>C (NM_006284.4); short protein forms N260D, N187D, N321D.
Identifiers: ClinVar variation 2189218 (VCV002189218.4), dbSNP rs1005857328, ClinGen allele CA217315738.

ClinVar aggregate classification (germline): Uncertain significance (1 of 4 stars; one submission).

Conditions:
Primary familial hypertrophic cardiomyopathy (HCM). Identifiers: Orphanet 99739, MedGen C0949658, MeSH D024741, MONDO:0024573. Inheritance: Various modes of inheritance.

Allele frequency attached by ClinVar (database versions not stated): gnomAD exomes 0.00001.
gnomAD v4.1: 4 of 1,614,196 alleles (0.00025%); highest among the groups gnomAD compares: Non-Finnish European, 0.00034%; no homozygotes.

Submission:

Labcorp Genetics (formerly Invitae), Labcorp
Classification: Uncertain significance for Primary familial hypertrophic cardiomyopathy. Last evaluated: 2025-08-03. Review status: criteria provided, single submitter. Criteria: Invitae Variant Classification Sherloc (09022015). Collection method: clinical testing. Allele origin: germline.
Comment: This sequence change replaces asparagine, which is neutral and polar, with aspartic acid, which is acidic and polar, at codon 321 of the ILK protein (p.Asn321Asp). This variant is present in population databases (no rsID available, gnomAD 0.002%). This variant has not been reported in the literature in individuals affected with ILK-related conditions. ClinVar contains an entry for this variant (Variation ID: 2189218). An algorithm developed to predict the effect of missense changes on protein structure and function (PolyPhen-2) suggests that this variant is likely to be disruptive. In summary, the available evidence is currently insufficient to determine the role of this variant in disease. Therefore, it has been classified as a Variant of Uncertain Significance.